The following is an entry in ClinVar:

ClinVar aggregate classification (germline): Uncertain significance (1 of 4 stars; one submission).

Conditions:
Capillary malformation-arteriovenous malformation syndrome. Also called: Capillary malformation-arteriovenous malformation. Identifiers: Orphanet 137667, MedGen C1842180, MONDO:0012016.

Submission:

Labcorp Genetics (formerly Invitae), Labcorp
Classification: Uncertain significance for Capillary malformation-arteriovenous malformation syndrome. Last evaluated: 2025-11-26. Review status: criteria provided, single submitter. Criteria: Invitae Variant Classification Sherloc (09022015). Collection method: clinical testing. Allele origin: germline.
Comment: This sequence change replaces threonine, which is neutral and polar, with alanine, which is neutral and non-polar, at codon 55 of the RASA1 protein (p.Thr55Ala). This variant is not present in population databases (gnomAD no frequency). This variant has not been reported in the literature in individuals affected with RASA1-related conditions. ClinVar contains an entry for this variant (Variation ID: 1495649). An algorithm developed to predict the effect of missense changes on protein structure and function outputs the following: PolyPhen-2: "Benign". The alanine amino acid residue is found in multiple mammalian species, which suggests that this missense change does not adversely affect protein function. In summary, the available evidence is currently insufficient to determine the role of this variant in disease. Therefore, it has been classified as a Variant of Uncertain Significance.

NM_002890.3(RASA1):c.163A>G (p.Thr55Ala)

Gene: RASA1 (RAS p21 protein activator 1; plus strand). Cytogenetic location: 5q14.3.
Variant type: single nucleotide variant.
Coding change: c.163A>G on transcript NM_002890.3 (MANE Select); coding-DNA position 163, A replaced by G.
Protein change: p.Thr55Ala; replaces threonine 55 with alanine.
Molecular consequence: missense variant.
Genome position (GRCh38, 1-based): chr5:87,268,614, A>G. VCF-style: chr5-87268614-A-G. GRCh37 (hg19) VCF-style: chr5-86564431-A-G.
Other names: short protein forms T55A.
Identifiers: ClinVar variation 1495649 (VCV001495649.8), dbSNP rs1335075421, ClinGen allele CA360416895.